The following is an entry in ClinVar:

NM_017763.6(RNF43):c.952+3_952+9del

Gene: RNF43 (ring finger protein 43; minus strand). Cytogenetic location: 17q22.
Variant type: Deletion.
Coding change: c.952+3_952+9del on transcript NM_017763.6 (MANE Select); bases 3 to 9 of the intron after coding-DNA position 952, 7 bases deleted (AGGAGGT; older notation c.952+3_952+9delAGGAGGT).
Molecular consequence: splice donor variant.
Genome position (GRCh38, 1-based): chr17:58,360,140-58,360,146, ACCTCCT deleted on the plus strand (AGGAGGT on the coding strand, the reverse complement: RNF43 is on the minus strand); deleting any 7 consecutive bases within chr17:58,360,140-58,360,150 gives the same sequence; the c. name uses the placement nearest the transcript's 3' end. VCF-style (leftmost placement, unchanged base first): chr17-58360139-CACCTCCT-C. GRCh37 (hg19) VCF-style: chr17-56437500-CACCTCCT-C.
Other names: c.952+3_952+9delAGGAGGT (NM_017763.6, NM_017763.4); c.952+3_952+9del (NM_001438822.1, NM_001305544.3, NM_001438820.1 and 1 more transcripts); c.571+3_571+9del (NM_001305545.2, NM_001437987.1).
Identifiers: ClinVar variation 1802919 (VCV001802919.6), dbSNP rs1340859561, ClinGen allele CA626725251.
Genomic context (GRCh38, chr17:58,360,139, plus strand): 5'-TTTCCCAAAGGGAAGCCACATTCTAGACCTGTCTGCCTACACAGAGGGGAGTCCTTGGCC[CACCTCCT>C]ACCTGTGATGTTGAACATGCAGAGGGGGCAAGTCCGATGCTGATGTAACCAGGGGTCCAC-3'

ClinVar aggregate classification (germline): Uncertain significance. Review status: criteria provided, multiple submitters, no conflicts (2 of 4 stars). 2 submissions from 2 submitters: Uncertain significance (2). Last evaluated 2025-09-04.

Submissions (2):

Ambry Genetics
Classification: Uncertain significance. Last evaluated: 2025-09-04. Review status: criteria provided, single submitter. Criteria: Ambry Variant Classification Scheme 2023. Collection method: clinical testing. Allele origin: germline.
Comment: The c.952+3_952+9delAGGAGGT variant results from a deletion of 7 nucleotides at positions 952+3 to 952+9 downstream of coding exon 7 in the RNF43 gene. This nucleotide region is well conserved in available vertebrate species. In silico splice site analysis predicts that this alteration will not have any significant effect on splicing. The evidence for this gene-disease relationship is limited; therefore, the clinical significance of this alteration is unclear.

Center for Genomic Medicine, Rigshospitalet, Copenhagen University Hospital
Classification: Uncertain significance. Last evaluated: 2025-03-04. Review status: criteria provided, single submitter. Criteria: ACMG Guidelines, 2015. Collection method: clinical testing. Allele origin: germline.